The following is an entry in ClinVar:

NM_004656.4(BAP1):c.1015C>G (p.Pro339Ala)

Gene: BAP1 (BRCA1 associated deubiquitinase 1; minus strand). Cytogenetic location: 3p21.1.
Variant type: single nucleotide variant.
Coding change: c.1015C>G on transcript NM_004656.4 (MANE Select); coding-DNA position 1015, C replaced by G.
Protein change: p.Pro339Ala; replaces proline 339 with alanine.
Molecular consequence: missense variant.
Genome position (GRCh38, 1-based): chr3:52,405,211, G>C on the plus strand (C>G on the coding strand, the complement: BAP1 is on the minus strand). VCF-style: chr3-52405211-G-C. GRCh37 (hg19) VCF-style: chr3-52439227-G-C.
Other names: c.961C>G, p.Pro321Ala (NM_001410772.1); short protein forms P339A, P321A.
Identifiers: ClinVar variation 3986311 (VCV003986311.1).

ClinVar aggregate classification (germline): Uncertain significance (1 of 4 stars; one submission).

Conditions:
Hereditary cancer-predisposing syndrome. Also called: Tumor predisposition; Hereditary neoplastic syndrome; Neoplastic Syndromes, Hereditary; Hereditary Cancer Syndrome. Identifiers: Orphanet 140162, MedGen C0027672, MeSH D009386, MONDO:0015356.

Submission:

Ambry Genetics
Classification: Uncertain significance for Hereditary cancer-predisposing syndrome. Last evaluated: 2025-03-17. Review status: criteria provided, single submitter. Criteria: Ambry Variant Classification Scheme 2023. Collection method: clinical testing. Allele origin: germline.
Comment: The p.P339A variant (also known as c.1015C>G), located in coding exon 11 of the BAP1 gene, results from a C to G substitution at nucleotide position 1015. The proline at codon 339 is replaced by alanine, an amino acid with highly similar properties. This amino acid position is conserved. In addition, this alteration is predicted to be tolerated by in silico analysis. Based on the available evidence, the clinical significance of this variant remains unclear.